The following is an entry in ClinVar:

ClinVar aggregate classification (germline): Likely benign (0 of 4 stars; one submission).

Conditions:
GIGYF2-related disorder. Also called: GIGYF2-related condition.

Allele frequency attached by ClinVar (database versions not stated): gnomAD exomes 0.00001; ExAC 0.00003.
gnomAD v4.1: 16 of 1,599,504 alleles (0.001%); highest among the groups gnomAD compares: Middle Eastern, 0.033%; no homozygotes.

Submission:

PreventionGenetics, part of Exact Sciences
Classification: Likely benign for GIGYF2-related condition. Last evaluated: 2019-06-06. Review status: no assertion criteria provided. Collection method: clinical testing. Allele origin: germline.
Comment: This variant is classified as likely benign based on ACMG/AMP sequence variant interpretation guidelines (Richards et al. 2015 PMID: 25741868, with internal and published modifications).

NM_001103146.3(GIGYF2):c.533-10719T>C

Genes: GIGYF2 (GRB10 interacting GYF protein 2; plus strand), KCNJ13 (potassium inwardly rectifying channel subfamily J member 13; minus strand). Cytogenetic location: 2q37.1.
Variant type: single nucleotide variant.
Coding change: c.533-10719T>C on transcript NM_001103146.3 (MANE Select); 10719 bases into the intron before coding-DNA position 533, T replaced by C.
Molecular consequence: intron variant. On other transcripts: synonymous variant (1).
Genome position (GRCh38, 1-based): chr2:232,776,431, T>C. VCF-style: chr2-232776431-T-C. GRCh37 (hg19) VCF-style: chr2-233641141-T-C.
Other names: c.552T>C, p.Tyr184= (NM_001103147.2); c.533-10719T>C (NM_015575.4, NM_001103148.2); c.-24+14A>G (NM_001172417.1); c.-17+14A>G (NM_001172416.1, NM_002242.4).
Identifiers: ClinVar variation 3043802 (VCV003043802.2), dbSNP rs758215900, ClinGen allele CA2170116.